The following is an entry in ClinVar:

NM_000038.6(APC):c.5268_5269delinsGA (p.Ser1757Thr)

Gene: APC (APC regulator of Wnt signaling pathway; plus strand). Cytogenetic location: 5q22.2.
Variant type: Indel.
Coding change: c.5268_5269delinsGA on transcript NM_000038.6 (MANE Select); coding-DNA positions 5268 to 5269, TT replaced by GA.
Protein change: p.Ser1757Thr; replaces serine 1757 with threonine.
Molecular consequence: missense variant. On other transcripts: non-coding transcript variant (2).
Genome position (GRCh38, 1-based): chr5:112,840,862-112,840,863, TT replaced by GA. VCF-style: chr5-112840862-TT-GA. GRCh37 (hg19) VCF-style: chr5-112176559-TT-GA.
Other names: c.5268_5269delinsGA, p.Ser1757Thr (NM_001127510.3, NM_001354895.2, NM_001407450.1); c.5214_5215delinsGA, p.Ser1739Thr (NM_001127511.3); c.5322_5323delinsGA, p.Ser1775Thr (NM_001354896.2, NM_001407447.1, NM_001407448.1 and 1 more transcripts); c.5298_5299delinsGA, p.Ser1767Thr (NM_001354897.2); c.5193_5194delinsGA, p.Ser1732Thr (NM_001354898.2); c.5184_5185delinsGA, p.Ser1729Thr (NM_001354899.2); c.5145_5146delinsGA, p.Ser1716Thr (NM_001354900.2); c.5091_5092delinsGA, p.Ser1698Thr (NM_001354901.2, NM_001407453.1); and 11 more; short protein forms S1628T, S1729T, S1775T, S1785T, S1597T, S1732T, S1750T, S1474T.
Identifiers: ClinVar variation 3409758 (VCV003409758.1).
Genomic context (GRCh38, chr5:112,840,862, plus strand): 5'-AAGTCACAAGCCTTTCCGTGTGAAAAAGATAATGGACCAGGTCCAGCAAGCATCTGCGTC[TT>GA]CTTCTGCACCCAACAAAAATCAGTTAGATGGTAAGAAAAAGAAACCAACTTCACCAGTAA-3'
Protein context (NP_000029.2, residues 1747-1767): MDQVQQASAS[Ser1757Thr]SAPNKNQLDG

ClinVar aggregate classification (germline): Uncertain significance (1 of 4 stars; one submission).

Conditions:
Hereditary cancer-predisposing syndrome. Also called: Neoplastic Syndromes, Hereditary; Tumor predisposition; Hereditary Cancer Syndrome; Hereditary neoplastic syndrome. Identifiers: Orphanet 140162, MedGen C0027672, MeSH D009386, MONDO:0015356.

Submission:

Ambry Genetics
Classification: Uncertain significance for Hereditary cancer-predisposing syndrome. Last evaluated: 2024-08-11. Review status: criteria provided, single submitter. Criteria: Ambry Variant Classification Scheme 2023. Collection method: clinical testing. Allele origin: germline.
Comment: The c.5268_5269delTTinsGA variant (also known as p.S1757T), located in coding exon 15 of the APC gene, results from an in-frame deletion of TT and insertion of GA at nucleotide positions 5268 to 5269. This results in the substitution of the serine residue for a threonine residue at codon 1757, an amino acid with similar properties. This amino acid position is well conserved in available vertebrate species. In addition, this alteration is predicted to be neutral by in silico analysis (Choi Y et al. PLoS ONE. 2012; 7(10):e46688). Since supporting evidence is limited at this time, the clinical significance of this alteration remains unclear.